The following is an entry in ClinVar:

ClinVar aggregate classification (germline): Uncertain significance (1 of 4 stars; one submission).

Submission:

Labcorp Genetics (formerly Invitae), Labcorp
Classification: Uncertain significance. Last evaluated: 2022-07-19. Review status: criteria provided, single submitter. Criteria: Invitae Variant Classification Sherloc (09022015). Collection method: clinical testing. Allele origin: germline.
Comment: In summary, the available evidence is currently insufficient to determine the role of this variant in disease. Therefore, it has been classified as a Variant of Uncertain Significance. Algorithms developed to predict the effect of missense changes on protein structure and function are either unavailable or do not agree on the potential impact of this missense change (SIFT: "Deleterious"; PolyPhen-2: "Not Available"; Align-GVGD: "Class C65"). ClinVar contains an entry for this variant (Variation ID: 1447770). This variant has not been reported in the literature in individuals affected with MICU1-related conditions. This variant is not present in population databases (gnomAD no frequency). This sequence change replaces arginine, which is basic and polar, with threonine, which is neutral and polar, at codon 117 of the MICU1 protein (p.Arg117Thr).

NM_001195518.2(MICU1):c.350G>C (p.Arg117Thr)

Gene: MICU1 (mitochondrial calcium uptake 1; minus strand). Cytogenetic location: 10q22.1.
Variant type: single nucleotide variant.
Coding change: c.350G>C on transcript NM_001195518.2 (MANE Select); coding-DNA position 350, G replaced by C.
Protein change: p.Arg117Thr; replaces arginine 117 with threonine.
Molecular consequence: missense variant.
Genome position (GRCh38, 1-based): chr10:72,551,322, C>G on the plus strand (G>C on the coding strand, the complement: MICU1 is on the minus strand). VCF-style: chr10-72551322-C-G. GRCh37 (hg19) VCF-style: chr10-74311080-C-G.
Other names: c.350G>C, p.Arg117Thr (NM_001363513.2, NM_006077.4); short protein forms R117T.
Identifiers: ClinVar variation 1447770 (VCV001447770.6), dbSNP rs2132444353, ClinGen allele CA377395133.